The following is an entry in ClinVar:

ClinVar aggregate classification (germline): Pathogenic. Review status: criteria provided, multiple submitters, no conflicts (2 of 4 stars). 3 submissions from 3 submitters: Pathogenic (2). 1 of the submissions does not count toward it. Last evaluated 2025-10-20.

Conditions:
Nephronophthisis. Also called: Juvenile Nephronophthisis. Identifiers: Orphanet 655, MedGen C0687120, MONDO:0019005, HP:0000090.
NPHP4-related disorder. Also called: NPHP4-related condition; NPHP4-related disorders. Identifiers: MedGen CN239384.

Allele frequency attached by ClinVar (database versions not stated): TOPMed below 0.00001; gnomAD 0.00001; gnomAD exomes 0.00003 and 0.00004; ExAC 0.00008.

Submissions (3):

Labcorp Genetics (formerly Invitae), Labcorp
Classification: Pathogenic for Nephronophthisis. Last evaluated: 2025-10-20. Review status: criteria provided, single submitter. Criteria: Invitae Variant Classification Sherloc (09022015). Collection method: clinical testing. Allele origin: germline.
Comment: This sequence change creates a premature translational stop signal (p.Thr1004Asnfs*99) in the NPHP4 gene. It is expected to result in an absent or disrupted protein product. Loss-of-function variants in NPHP4 are known to be pathogenic (PMID: 12205563, 23559409). This variant is present in population databases (rs748950922, gnomAD 0.008%). This premature translational stop signal has been observed in individual(s) with NPHP4-related conditions (PMID: 18076122, 36090483). ClinVar contains an entry for this variant (Variation ID: 988263). For these reasons, this variant has been classified as Pathogenic.

Blueprint Genetics
Classification: Pathogenic for NPHP4-related disorders. Last evaluated: 2024-08-01. Review status: criteria provided, single submitter. Criteria: ACMG Guidelines, 2015. Collection method: clinical testing. Allele origin: germline. Affected: yes. Observed: 5 variant alleles.

Sydney Genome Diagnostics, Children's Hospital Westmead
Classification: Pathogenic for Nephronophthisis. Last evaluated: 2018-05-30. Review status: no assertion criteria provided. Collection method: clinical testing. Allele origin: unknown. Affected: yes. Observed: 1 variant allele, 1 compound heterozygote. Not counted in ClinVar's aggregate classification.
Comment: This frameshifting variant (dbSNP: rs748950922) is predicted to create a premature stop codon 99 positions downstream (p.Thr1004Asnfs*99), and may result in a null allele due to nonsense-mediated mRNA decay. This variant has been previously reported in the homozygous state, as well as a compound heterozygote with another NPHP4 pathogenic variant, in patients with nephronophthisis or a nephronophthisis-related ciliopathy (Otto et al 2008 Hum Mutat 29:418-426; Halbritter et al 2013 Hum Genet 132:865-884). This variant is considered to be pathogenic according to the ACMG guidelines.

Literature cited by the submitters: PubMed 12205563 (cited by Labcorp Genetics (formerly Invitae), Labcorp); PubMed 23559409 (cited by Labcorp Genetics (formerly Invitae), Labcorp); PubMed 18076122 (cited by Labcorp Genetics (formerly Invitae), Labcorp); PubMed 36090483 (cited by Labcorp Genetics (formerly Invitae), Labcorp).

NM_015102.5(NPHP4):c.3010dup (p.Thr1004fs)

Gene: NPHP4 (nephrocystin 4; minus strand). Cytogenetic location: 1p36.31.
Variant type: Duplication.
Coding change: c.3010dup on transcript NM_015102.5 (MANE Select); coding-DNA position 3010, one base duplicated (A; older notation c.3010dupA).
Protein change: p.Thr1004fs; shifts the reading frame from threonine 1004.
Molecular consequence: frameshift variant. On other transcripts: non-coding transcript variant (1).
Genome position (GRCh38, 1-based): chr1:5,874,908, T duplicated on the plus strand (A on the coding strand, the reverse complement: NPHP4 is on the minus strand). VCF-style (leftmost placement, unchanged base first): chr1-5874907-G-GT. GRCh37 (hg19) VCF-style: chr1-5934967-G-GT.
Other names: c.1471dup, p.Thr491fs (NM_001291593.2); c.1474dup, p.Thr492fs (NM_001291594.2); short protein forms T1004fs, T491fs, T492fs.
Identifiers: ClinVar variation 988263 (VCV000988263.5), dbSNP rs748950922, ClinGen allele CA553846.